The following is an entry in ClinVar:

NM_000138.5(FBN1):c.625T>C (p.Cys209Arg)

Gene: FBN1 (fibrillin 1; minus strand). Cytogenetic location: 15q21.1.
Variant type: single nucleotide variant.
Coding change: c.625T>C on transcript NM_000138.5 (MANE Select); coding-DNA position 625, T replaced by C.
Protein change: p.Cys209Arg; replaces cysteine 209 with arginine.
Molecular consequence: missense variant.
Genome position (GRCh38, 1-based): chr15:48,537,722, A>G on the plus strand (T>C on the coding strand, the complement: FBN1 is on the minus strand). VCF-style: chr15-48537722-A-G. GRCh37 (hg19) VCF-style: chr15-48829919-A-G.
Other names: c.625T>C, p.Cys209Arg (NM_001406716.1, NM_001406717.1); short protein forms C209R.
Identifiers: ClinVar variation 4924896 (VCV004924896.2).

ClinVar aggregate classification (germline): Likely pathogenic. Review status: criteria provided, multiple submitters, no conflicts (2 of 4 stars). 2 submissions from 2 submitters: Likely pathogenic (2). Last evaluated 2026-08-12.

Conditions:
Familial thoracic aortic aneurysm and aortic dissection (TAAD). Also called: Thoracic aortic aneurysms and dissections. Identifiers: Orphanet 91387, MedGen C4707243, MONDO:0019625.
FBN1-related disorder. Also called: FBN1-related disorders.

Submissions (2):

Ambry Genetics
Classification: Likely pathogenic for Familial thoracic aortic aneurysm and aortic dissection. Last evaluated: 2026-08-12. Review status: criteria provided, single submitter. Criteria: Ambry Variant Classification Scheme 2023. Collection method: clinical testing. Allele origin: germline.
Comment: The p.C209R variant (also known as c.625T>C), located in coding exon 6 of the FBN1 gene, results from a T to C substitution at nucleotide position 625. The cysteine at codon 209 is replaced by arginine, an amino acid with highly dissimilar properties. This variant was reported in individual(s) with features consistent with Marfan syndrome (Baudhuin LM et al. J Hum Genet, 2015 May;60:241-52). The majority of FBN1 mutations identified to date have involved the substitution or generation of cysteine residues within cbEGF domains (Vollbrandt T et al. J Biol Chem. 2004;279(31):32924-32931). Internal structural analysis indicates this variant eliminates a disulfide bond critical for the structural integrity of the Hyb1 domain (Ambry internal data). This amino acid position is highly conserved in available vertebrate species. In addition, this alteration is predicted to be deleterious by in silico analysis. This variant is considered to be rare based on population cohorts in the Genome Aggregation Database (gnomAD). Based on the majority of available evidence to date, this variant is likely to be pathogenic.

Blueprint Genetics
Classification: Likely pathogenic for FBN1-related disorders. Last evaluated: 2023-10-03. Review status: criteria provided, single submitter. Criteria: ACMG Guidelines, 2015. Collection method: clinical testing. Allele origin: germline. Affected: yes. Observed: 1 variant allele.

Literature cited by the submitters: PubMed 25652356 (cited by Ambry Genetics).